The following is an entry in ClinVar:

NM_000057.4(BLM):c.991_995del (p.Lys331fs)

Gene: BLM (BLM RecQ like helicase; plus strand). Cytogenetic location: 15q26.1.
Variant type: Deletion.
Coding change: c.991_995del on transcript NM_000057.4 (MANE Select); coding-DNA positions 991 to 995, 5 bases deleted (AAAGA; older notation c.991_995delAAAGA).
Protein change: p.Lys331fs; shifts the reading frame from lysine 331.
Molecular consequence: frameshift variant. On other transcripts: 5 prime UTR variant (1).
Genome position (GRCh38, 1-based): chr15:90,754,842-90,754,846, AAAGA deleted; deleting any 5 consecutive bases within chr15:90,754,839-90,754,846 gives the same sequence; the c. name uses the placement nearest the transcript's 3' end. VCF-style (leftmost placement, unchanged base first): chr15-90754838-CAGAAA-C. GRCh37 (hg19) VCF-style: chr15-91298068-CAGAAA-C.
Other names: c.991_995del5 (NM_000057.2); c.991_995delAAAGA (NM_000057.2); c.991_995del (NM_000057.2, LRG_20t1); c.991_995del, p.Lys331fs (NM_001287246.2, NM_001287247.2); c.-301_-297del (NM_001287248.2); short protein forms K331fs.
Identifiers: ClinVar variation 188870 (VCV000188870.15), dbSNP rs786204524, ClinGen allele CA274063.

ClinVar aggregate classification (germline): Pathogenic/Likely pathogenic. Review status: criteria provided, multiple submitters, no conflicts (2 of 4 stars). 6 submissions from 6 submitters: Pathogenic (4); Likely pathogenic (1). 1 of the submissions does not count toward it. Last evaluated 2025-11-26.

Conditions:
Hereditary cancer-predisposing syndrome. Also called: Hereditary Cancer Syndrome; Neoplastic Syndromes, Hereditary; Hereditary neoplastic syndrome; Tumor predisposition. Identifiers: Orphanet 140162, MedGen C0027672, MeSH D009386, MONDO:0015356.
Bloom syndrome (BLM). Also called: Bloom-Torre-Machacek syndrome. Identifiers: Orphanet 125, MedGen C0005859, MONDO:0008876, OMIM 210900.

Submissions (6):

Myriad Genetics, Inc.
Classification: Pathogenic for Bloom syndrome. Last evaluated: 2025-11-26. Review status: criteria provided, single submitter. Criteria: Myriad Autosomal Dominant, Autosomal Recessive and X-Linked Classification Criteria (2023). Collection method: clinical testing. Allele origin: unknown.
Comment: This variant is considered pathogenic. This variant creates a frameshift predicted to result in premature protein truncation.

Labcorp Genetics (formerly Invitae), Labcorp
Classification: Pathogenic for Bloom syndrome. Last evaluated: 2025-05-05. Review status: criteria provided, single submitter. Criteria: Invitae Variant Classification Sherloc (09022015). Collection method: clinical testing. Allele origin: germline.
Comment: This sequence change creates a premature translational stop signal (p.Lys331Glyfs*4) in the BLM gene. It is expected to result in an absent or disrupted protein product. Loss-of-function variants in BLM are known to be pathogenic (PMID: 17407155). This variant is present in population databases (rs748240187, gnomAD 0.002%). This premature translational stop signal has been observed in individual(s) with Bloom syndrome (PMID: 17407155). In at least one individual the data is consistent with being in trans (on the opposite chromosome) from a pathogenic variant. ClinVar contains an entry for this variant (Variation ID: 188870). For these reasons, this variant has been classified as Pathogenic.

GeneDx
Classification: Likely pathogenic. Last evaluated: 2024-04-26. Review status: criteria provided, single submitter. Criteria: GeneDx Variant Classification Process June 2021. Collection method: clinical testing. Allele origin: germline. Affected: yes.
Comment: Frameshift variant predicted to result in protein truncation or nonsense mediated decay in a gene for which loss of function is a known mechanism of disease; Not observed at significant frequency in large population cohorts (gnomAD); This variant is associated with the following publications: (PMID: 29625052, 26689913, 36451132, 31970404, 17407155)

Ambry Genetics
Classification: Pathogenic for Hereditary cancer-predisposing syndrome. Last evaluated: 2022-06-21. Review status: criteria provided, single submitter. Criteria: Ambry Variant Classification Scheme 2023. Collection method: clinical testing. Allele origin: germline.
Comment: The c.991_995delAAAGA pathogenic mutation, located in coding exon 4 of the BLM gene, results from a deletion of 5 nucleotides at nucleotide positions 991 to 995, causing a translational frameshift with a predicted alternate stop codon (p.K331Gfs*4). Two individuals with Bloom syndrome were reported to be heterozygous for this alteration and another BLM gene mutation (German J et al. Hum. Mutat. 2007 Aug;28:743-53). In addition to the clinical data presented in the literature, this alteration is expected to result in loss of function by premature protein truncation or nonsense-mediated mRNA decay. As such, this alteration is interpreted as a disease-causing mutation.

Women's Health and Genetics/Laboratory Corporation of America, LabCorp
Classification: Pathogenic for Bloom syndrome. Last evaluated: 2022-04-01. Review status: criteria provided, single submitter. Criteria: LabCorp Variant Classification Summary - May 2015. Collection method: clinical testing. Allele origin: germline.
Comment: Variant summary: BLM c.991_995delAAAGA (p.Lys331GlyfsX4) results in a premature termination codon, predicted to cause a truncation of the encoded protein or absence of the protein due to nonsense mediated decay, which are commonly known mechanisms for disease. Truncations downstream of this position have been classified as pathogenic by our laboratory. The variant was absent in 251002 control chromosomes. c.991_995delAAAGA has been reported in the literature in at-least one individual affected with Bloom Syndrome (example, German_2007). Two clinical diagnostic laboratories have submitted clinical-significance assessments for this variant to ClinVar after 2014 without evidence for independent evaluation. All laboratories classified the variant as pathogenic. Based on the evidence outlined above, the variant was classified as pathogenic.

Counsyl
Classification: Likely pathogenic for Bloom syndrome. Last evaluated: 2014-07-08. Review status: no assertion criteria provided. Collection method: literature only. Allele origin: unknown. Inheritance: Autosomal recessive inheritance. Not counted in ClinVar's aggregate classification.

Literature cited by the submitters: PubMed 17407155 (cited by 4 submitters).